The following is an entry in ClinVar:

NM_182914.3(SYNE2):c.10768A>G (p.Lys3590Glu)

Gene: SYNE2 (spectrin repeat containing nuclear envelope protein 2; plus strand). Cytogenetic location: 14q23.2.
Variant type: single nucleotide variant.
Coding change: c.10768A>G on transcript NM_182914.3 (MANE Select); coding-DNA position 10768, A replaced by G.
Protein change: p.Lys3590Glu; replaces lysine 3590 with glutamic acid.
Molecular consequence: missense variant.
Genome position (GRCh38, 1-based): chr14:64,074,038, A>G. VCF-style: chr14-64074038-A-G. GRCh37 (hg19) VCF-style: chr14-64540756-A-G.
Other names: c.10768A>G, p.Lys3590Glu (NM_015180.6); short protein forms K3590E.
Identifiers: ClinVar variation 4705708 (VCV004705708.1).
Genomic context (GRCh38, chr14:64,074,038, plus strand): 5'-AAAGTTCAGAAAAATAAAGAATTGGTGCAGACTGAAATCCAAGAAAGACATTCCTTCACA[A>G]AAGAGATAATTGCTTTGAAGAATTTCTTTCAACAGACCACAACTTCATTCCAAAATATGG-3'
Protein context (NP_878918.2, residues 3580-3600): TEIQERHSFT[Lys3590Glu]EIIALKNFFQ

ClinVar aggregate classification (germline): Uncertain significance (1 of 4 stars; one submission).

Conditions:
Emery-Dreifuss muscular dystrophy 5, autosomal dominant (EDMD5). Also called: EMERY-DREIFUSS MUSCULAR DYSTROPHY 5. Identifiers: Orphanet 261, MedGen C2751805, MONDO:0013072, OMIM 612999.

gnomAD v4.1: 3 of 1,614,224 alleles (0.00019%); highest among the groups gnomAD compares: Middle Eastern, 0.016%; no homozygotes.

Submission:

Labcorp Genetics (formerly Invitae), Labcorp
Classification: Uncertain significance for Emery-Dreifuss muscular dystrophy 5, autosomal dominant. Last evaluated: 2025-08-30. Review status: criteria provided, single submitter. Criteria: Invitae Variant Classification Sherloc (09022015). Collection method: clinical testing. Allele origin: germline.
Comment: This sequence change replaces lysine, which is basic and polar, with glutamic acid, which is acidic and polar, at codon 3590 of the SYNE2 protein (p.Lys3590Glu). This variant is not present in population databases (gnomAD no frequency). This variant has not been reported in the literature in individuals affected with SYNE2-related conditions. An algorithm developed to predict the effect of missense changes on protein structure and function outputs the following: PolyPhen-2: "Possibly Damaging". The glutamic acid amino acid residue is found in multiple mammalian species, which suggests that this missense change does not adversely affect protein function. In summary, the available evidence is currently insufficient to determine the role of this variant in disease. Therefore, it has been classified as a Variant of Uncertain Significance.